The following is an entry in ClinVar:

NM_000297.4(PKD2):c.1830G>A (p.Ala610=)

Gene: PKD2 (polycystin 2, transient receptor potential cation channel; plus strand). Cytogenetic location: 4q22.1.
Variant type: single nucleotide variant.
Coding change: c.1830G>A on transcript NM_000297.4 (MANE Select); coding-DNA position 1830, G replaced by A.
Protein change: p.Ala610=; no amino-acid change (alanine 610 retained).
Molecular consequence: synonymous variant. On other transcripts: non-coding transcript variant (1).
Genome position (GRCh38, 1-based): chr4:88,056,199, G>A. VCF-style: chr4-88056199-G-A. GRCh37 (hg19) VCF-style: chr4-88977351-G-A.
Other names: p.Ala610=.
Identifiers: ClinVar variation 255791 (VCV000255791.58), dbSNP rs144968710, ClinGen allele CA3004059.

ClinVar aggregate classification (germline): Benign/Likely benign. Review status: criteria provided, multiple submitters, no conflicts (2 of 4 stars). 13 submissions from 13 submitters: Benign (3); Likely benign (7). 3 of the submissions do not count toward it. Last evaluated 2026-01-12.

Conditions:
Autosomal dominant polycystic kidney disease. Identifiers: Orphanet 730, MedGen C0085413, MONDO:0004691.
Polycystic kidney disease 2 (PKD2). Also called: Polycystic Kidney Disease 2, Autosomal Dominant; POLYCYSTIC KIDNEY DISEASE, ADULT, TYPE II; POLYCYSTIC KIDNEY DISEASE 2 WITH OR WITHOUT POLYCYSTIC LIVER DISEASE. Identifiers: MedGen C2751306, MONDO:0013131, OMIM 613095.
Polycystic kidney disease. Also called: Polycystic kidney dysplasia; Kidney, Polycystic. Identifiers: MedGen C0022680, MeSH D007690, MONDO:0020642, HP:0000113.

Allele frequency attached by ClinVar (database versions not stated): gnomAD exomes 0.00054 and 0.00087; ExAC 0.00078; gnomAD 0.00091; TOPMed 0.00099; ESP Exome Variant Server 0.00138; 1000 Genomes Project 30x 0.00156; 1000 Genomes Project 0.00160.
gnomAD v4.1: 954 of 1,613,456 alleles (0.059%); highest among the groups gnomAD compares: Middle Eastern, 0.25%; 1 homozygote.

Submissions (13):

Labcorp Genetics (formerly Invitae), Labcorp
Classification: Benign for Autosomal dominant polycystic kidney disease. Last evaluated: 2026-01-12. Review status: criteria provided, single submitter. Criteria: Invitae Variant Classification Sherloc (09022015). Collection method: clinical testing. Allele origin: germline.

Mayo Clinic Laboratories, Mayo Clinic
Classification: Likely benign. Last evaluated: 2025-05-27. Review status: criteria provided, single submitter. Criteria: ACMG Guidelines, 2015. Collection method: clinical testing. Allele origin: germline. Observed: 2 variant alleles.
Comment: BS1, BP4, BP7

CeGaT Center for Human Genetics Tuebingen
Classification: Likely benign. Last evaluated: 2025-02-01. Review status: criteria provided, single submitter. Criteria: CeGaT Center For Human Genetics Tuebingen Variant Classification Criteria Version 2. Collection method: clinical testing. Allele origin: germline. Affected: yes. Observed: 2 variant alleles.
Comment: PKD2: BP4, BP7

Blueprint Genetics
Classification: Likely benign. Last evaluated: 2024-11-22. Review status: criteria provided, single submitter. Criteria: ACMG Guidelines, 2015. Collection method: clinical testing. Allele origin: germline.

GeneDx
Classification: Likely benign. Last evaluated: 2021-09-23. Review status: criteria provided, single submitter. Criteria: GeneDx Variant Classification Process June 2021. Collection method: clinical testing. Allele origin: germline. Affected: yes.
Comment: This variant is associated with the following publications: (PMID: 24658975)

Athena Diagnostics
Classification: Benign. Last evaluated: 2021-01-21. Review status: criteria provided, single submitter. Criteria: Athena Diagnostics criteria. Collection method: clinical testing. Allele origin: unknown.

ARUP Laboratories, Molecular Genetics and Genomics, ARUP Laboratories
Classification: Likely benign for Polycystic kidney disease 2. Last evaluated: 2019-12-27. Review status: criteria provided, single submitter. Criteria: ARUP Molecular Germline Variant Investigation Process. Collection method: clinical testing. Allele origin: germline.

Illumina Laboratory Services, Illumina
Classification: Likely benign for Polycystic kidney disease 2. Last evaluated: 2017-04-28. Review status: criteria provided, single submitter. Criteria: ICSL Variant Classification Criteria 13 December 2019. Collection method: clinical testing. Allele origin: germline.
Comment: This variant was observed as part of a predisposition screen in an ostensibly healthy population. A literature search was performed for the gene, cDNA change, and amino acid change (where applicable). Publications were found based on this search. The evidence from the literature, in combination with allele frequency data from public databases where available, was sufficient to determine this variant is unlikely to cause disease. Therefore, this variant is classified as likely benign.

Breakthrough Genomics
Classification: Likely benign. Review status: criteria provided, single submitter. Criteria: ACMG Guidelines, 2015. Collection method: not provided. Allele origin: germline. Inheritance: Autosomal dominant inheritance. Affected: yes.

PreventionGenetics, part of Exact Sciences
Classification: Benign. Review status: criteria provided, single submitter. Criteria: ACMG Guidelines, 2015. Collection method: clinical testing. Allele origin: germline.

Clinical Genetics DNA and cytogenetics Diagnostics Lab, Erasmus MC, Erasmus Medical Center
Classification: Likely benign. Review status: no assertion criteria provided. Collection method: clinical testing. Allele origin: germline. Affected: yes. Study: VKGL Data-share Consensus. Not counted in ClinVar's aggregate classification.

Department of Pathology and Laboratory Medicine, Sinai Health System
Classification: Likely benign for Polycystic Kidney disease. Review status: no assertion criteria provided. Collection method: clinical testing. Allele origin: unknown. Affected: yes. Observed: 1 variant allele. Study: The Canadian Open Genetics Repository (COGR). Not counted in ClinVar's aggregate classification.
Comment: The PKD2 p.Ala610Ala variant was identified in dbSNP (ID: rs144968710) as â€šÃ„ÃºN/Aâ€šÃ„Ã¹, ADPKD Mutation Database (likely neutral), 1000 Genomes Project in 8 of 5000 chromosomes (frequency: 0.002), NHLBI GO Exome Sequencing Project in 8 of 8600 European American and in 10 of 4406 African American alleles, the Exome Aggregation Consortium database (August 8, 2016) in 94 of 121226 chromosomes (freq. 0.0008) in the following populations: European in 39 of 66662 chromosomes (freq. 0.0006), African in 19 of 10406 chromosomes (freq. 0.002), South Asian in 19 of 16482 chromosomes (freq. 0.001), Latino in 12 of 11560 chromosomes (freq. 0.001), Finish in 3 of 6600 chromosomes (freq. 0.0005), Other 2 in 906 chromosomes (freq. 0.002), increasing the likelihood this could be a low frequency benign variant. The p.Ala610Ala variant is not expected to have clinical significance because it does not result in a change of amino acid and is not located in a known consensus splice site. The variant occurs outside of the splicing consensus sequence and 3 of 5 in silico or computational prediction software programs (SpliceSiteFinder, MaxEntScan, NNSPLICE, GeneSplicer, HumanSpliceFinder) predict a greater than 10% difference in splicing. However, this information is not predictive enough to assume pathogenicity. In summary, based on the above information, the clinical significance of this variant cannot be determined with certainty at this time although we would lean towards a more benign role for this variant. This variant is classified as likely benign.

Genome Diagnostics Laboratory, University Medical Center Utrecht
Classification: Benign. Review status: no assertion criteria provided. Collection method: clinical testing. Allele origin: germline. Affected: yes. Study: VKGL Data-share Consensus. Not counted in ClinVar's aggregate classification.

Literature cited by the submitters: PubMed 24658975 (cited by Athena Diagnostics and Illumina Laboratory Services, Illumina); PubMed 26920127 (cited by Athena Diagnostics); PubMed 33095447 (cited by Athena Diagnostics).